The following is an entry in ClinVar:

NM_000138.5(FBN1):c.5872T>C (p.Cys1958Arg)

Gene: FBN1 (fibrillin 1; minus strand). Cytogenetic location: 15q21.1.
Variant type: single nucleotide variant.
Coding change: c.5872T>C on transcript NM_000138.5 (MANE Select); coding-DNA position 5872, T replaced by C.
Protein change: p.Cys1958Arg; replaces cysteine 1958 with arginine.
Molecular consequence: missense variant.
Genome position (GRCh38, 1-based): chr15:48,445,421, A>G on the plus strand (T>C on the coding strand, the complement: FBN1 is on the minus strand). VCF-style: chr15-48445421-A-G. GRCh37 (hg19) VCF-style: chr15-48737618-A-G.
Other names: c.5872T>C, p.Cys1958Arg (NM_001406716.1); short protein forms C1958R.
Identifiers: ClinVar variation 3754059 (VCV003754059.2).

ClinVar aggregate classification (germline): Likely pathogenic (1 of 4 stars; one submission).

Conditions:
Marfan syndrome (MFS). Also called: MARFAN SYNDROME, TYPE I; Marfan syndrome type 1; Marfan's syndrome; Marfan syndrome, classic; FBN1-Related Marfan Syndrome. Identifiers: Orphanet 284963, Orphanet 558, MedGen C0024796, MONDO:0007947, OMIM 154700.
Familial thoracic aortic aneurysm and aortic dissection (TAAD). Also called: Thoracic aortic aneurysms and dissections. Identifiers: Orphanet 91387, MedGen C4707243, MONDO:0019625.

Submission:

Labcorp Genetics (formerly Invitae), Labcorp
Classification: Likely pathogenic for Marfan syndrome; Familial thoracic aortic aneurysm and aortic dissection. Last evaluated: 2024-04-14. Review status: criteria provided, single submitter. Criteria: Invitae Variant Classification Sherloc (09022015). Collection method: clinical testing. Allele origin: germline.
Comment: This sequence change replaces cysteine, which is neutral and slightly polar, with arginine, which is basic and polar, at codon 1958 of the FBN1 protein (p.Cys1958Arg). This variant is not present in population databases (gnomAD no frequency). This variant has not been reported in the literature in individuals affected with FBN1-related conditions. Advanced modeling of protein sequence and biophysical properties (such as structural, functional, and spatial information, amino acid conservation, physicochemical variation, residue mobility, and thermodynamic stability) performed at Invitae indicates that this missense variant is expected to disrupt FBN1 protein function with a positive predictive value of 95%. This variant affects a cysteine residue in the EGF-like, TGFBP or hybrid motif domains of FBN1. Cysteine residues are believed to be involved in intramolecular disulfide bridges and have been shown to be important for FBN1 protein structure (PMID: 16905551, 19349279). In addition, missense substitutions affecting cysteine residues within these domains are significantly overrepresented among patients with Marfan syndrome (PMID: 16571647, 17701892). This variant disrupts the p.Cys1958 amino acid residue in FBN1. Other variant(s) that disrupt this residue have been observed in individuals with FBN1-related conditions (PMID: 21907952, 29796325), which suggests that this may be a clinically significant amino acid residue. In summary, the currently available evidence indicates that the variant is pathogenic, but additional data are needed to prove that conclusively. Therefore, this variant has been classified as Likely Pathogenic.

Literature cited by the submitters: PubMed 16905551; PubMed 19349279; PubMed 16571647; PubMed 17701892; PubMed 21907952; PubMed 29796325.